The following is an entry in ClinVar:

ClinVar aggregate classification (germline): Likely benign (1 of 4 stars; one submission).

Conditions:
YARS1-related disorder. Also called: YARS1-related condition.

gnomAD v4.1: 15 of 1,613,942 alleles (0.00093%); highest among the groups gnomAD compares: Admixed American, 0.005%; no homozygotes.

Submission:

PreventionGenetics, part of Exact Sciences
Classification: Likely benign for YARS1-related condition. Last evaluated: 2025-11-12. Review status: criteria provided, single submitter. Criteria: ACMG Guidelines, 2015. Collection method: clinical testing. Allele origin: germline.
Comment: This variant is classified as likely benign based on ACMG/AMP sequence variant interpretation guidelines (Richards et al. 2015 PMID: 25741868, with internal and published modifications).

NM_003680.4(YARS1):c.907-10G>A

Gene: YARS1 (tyrosyl-tRNA synthetase 1; minus strand). Cytogenetic location: 1p35.1.
Variant type: single nucleotide variant.
Coding change: c.907-10G>A on transcript NM_003680.4 (MANE Select); 10 bases into the intron before coding-DNA position 907, G replaced by A.
Molecular consequence: intron variant.
Genome position (GRCh38, 1-based): chr1:32,782,549, C>T on the plus strand (G>A on the coding strand, the complement: YARS1 is on the minus strand). VCF-style: chr1-32782549-C-T. GRCh37 (hg19) VCF-style: chr1-33248150-C-T.
Identifiers: ClinVar variation 4979608 (VCV004979608.1).